The following is an entry in ClinVar:

ClinVar aggregate classification (germline): Pathogenic (1 of 4 stars; one submission).

Conditions:
Fucosidosis. Also called: ALPHA-L-FUCOSIDASE DEFICIENCY. Identifiers: Orphanet 349, MedGen C0016788, MONDO:0009254, OMIM 230000.

Submission:

Labcorp Genetics (formerly Invitae), Labcorp
Classification: Pathogenic for Fucosidosis. Last evaluated: 2024-01-16. Review status: criteria provided, single submitter. Criteria: Invitae Variant Classification Sherloc (09022015). Collection method: clinical testing. Allele origin: germline.
Comment: This sequence change creates a premature translational stop signal (p.Gln204Phefs*15) in the FUCA1 gene. It is expected to result in an absent or disrupted protein product. Loss-of-function variants in FUCA1 are known to be pathogenic (PMID: 10094192). This variant is not present in population databases (gnomAD no frequency). This variant has not been reported in the literature in individuals affected with FUCA1-related conditions. For these reasons, this variant has been classified as Pathogenic.

Literature cited by the submitters: PubMed 10094192.

NM_000147.5(FUCA1):c.610_614del (p.Gln204fs)

Gene: FUCA1 (alpha-L-fucosidase 1; minus strand). Cytogenetic location: 1p36.11.
Variant type: Deletion.
Coding change: c.610_614del on transcript NM_000147.5 (MANE Select); coding-DNA positions 610 to 614, 5 bases deleted (CAGCA; older notation c.610_614delCAGCA).
Protein change: p.Gln204fs; shifts the reading frame from glutamine 204.
Molecular consequence: frameshift variant. On other transcripts: non-coding transcript variant (4).
Genome position (GRCh38, 1-based): chr1:23,863,182-23,863,186, TGCTG deleted on the plus strand (CAGCA on the coding strand, the reverse complement: FUCA1 is on the minus strand); deleting any 5 consecutive bases within chr1:23,863,182-23,863,188 gives the same sequence; the c. name uses the placement nearest the transcript's 3' end. VCF-style (leftmost placement, unchanged base first): chr1-23863181-ATGCTG-A. GRCh37 (hg19) VCF-style: chr1-24189671-ATGCTG-A.
Other names: short protein forms Q204fs.
Identifiers: ClinVar variation 2709717 (VCV002709717.3), dbSNP rs2521730814, ClinGen allele CA2697552281.